The following is an entry in ClinVar:

NM_001943.5(DSG2):c.2980C>T (p.Pro994Ser)

Genes: DSG2 (desmoglein 2; plus strand), DSG2-AS1 (DSG2 antisense RNA 1; minus strand). Cytogenetic location: 18q12.1.
Variant type: single nucleotide variant.
Coding change: c.2980C>T on transcript NM_001943.5 (MANE Select); coding-DNA position 2980, C replaced by T.
Protein change: p.Pro994Ser; replaces proline 994 with serine.
Molecular consequence: missense variant.
Genome position (GRCh38, 1-based): chr18:31,546,366, C>T. VCF-style: chr18-31546366-C-T. GRCh37 (hg19) VCF-style: chr18-29126329-C-T.
Other names: short protein forms P994S.
Identifiers: ClinVar variation 1955795 (VCV001955795.5), dbSNP rs2510922632, ClinGen allele CA402147640.
Genomic context (GRCh38, chr18:31,546,366, plus strand): 5'-TTGGTAGATCAGCCTTATGCTAATGAAGGTACAGTTGTGGTCACTGAAAGAGTAATACAG[C>T]CTCATGGGGGTGGATCGAATCCTCTGGAAGGCACTCAGCATCTTCAAGATGTACCTTACG-3'
Protein context (NP_001934.2, residues 984-1004): TVVVTERVIQ[Pro994Ser]HGGGSNPLEG

ClinVar aggregate classification (germline): Uncertain significance (1 of 4 stars; one submission).

Conditions:
Arrhythmogenic right ventricular dysplasia 10. Also called: Arrhythmogenic Right Ventricular Dysplasia/Cardiomyopathy10; ARRHYTHMOGENIC RIGHT VENTRICULAR DYSPLASIA, FAMILIAL, 10; Arrhythmogenic right ventricular dysplasia/cardiomyopathy, type 10. Identifiers: MedGen C1857777, MONDO:0012434, OMIM 610193.

Submission:

Labcorp Genetics (formerly Invitae), Labcorp
Classification: Uncertain significance for Arrhythmogenic right ventricular dysplasia 10. Last evaluated: 2022-07-30. Review status: criteria provided, single submitter. Criteria: Invitae Variant Classification Sherloc (09022015). Collection method: clinical testing. Allele origin: germline.
Comment: This sequence change replaces proline, which is neutral and non-polar, with serine, which is neutral and polar, at codon 994 of the DSG2 protein (p.Pro994Ser). This variant is not present in population databases (gnomAD no frequency). This variant has not been reported in the literature in individuals affected with DSG2-related conditions. Algorithms developed to predict the effect of missense changes on protein structure and function are either unavailable or do not agree on the potential impact of this missense change (SIFT: "Tolerated"; PolyPhen-2: "Possibly Damaging"; Align-GVGD: "Class C0"). In summary, the available evidence is currently insufficient to determine the role of this variant in disease. Therefore, it has been classified as a Variant of Uncertain Significance.